The following is an entry in ClinVar:

NM_000533.5(PLP1):c.220G>T (p.Gly74Ter)

Genes: RAB9B (RAB9B, member RAS oncogene family; minus strand), PLP1 (proteolipid protein 1; plus strand). Cytogenetic location: Xq22.2.
Variant type: single nucleotide variant.
Coding change: c.220G>T on transcript NM_000533.5 (MANE Select); coding-DNA position 220, G replaced by T.
Protein change: p.Gly74Ter; replaces glycine 74 with a stop codon.
Molecular consequence: nonsense.
Genome position (GRCh38, 1-based): chrX:103,786,493, G>T. VCF-style: chrX-103786493-G-T. GRCh37 (hg19) VCF-style: chrX-103041422-G-T.
Other names: c.220G>T, p.Gly74Ter (NM_001128834.3, NM_199478.3); c.55G>T, p.Gly19Ter (NM_001305004.1); short protein forms G19*, G74*.
Identifiers: ClinVar variation 3660851 (VCV003660851.2).

ClinVar aggregate classification (germline): Pathogenic (1 of 4 stars; one submission).

Conditions:
Hereditary spastic paraplegia 2 (SPG2). Also called: Spastic Paraplegia 2 (SPG2); SPASTIC PARAPLEGIA 2, X-LINKED. Identifiers: Orphanet 99015, MedGen C0751604, MONDO:0010733, OMIM 312920.

Submission:

Labcorp Genetics (formerly Invitae), Labcorp
Classification: Pathogenic for Hereditary spastic paraplegia 2. Last evaluated: 2025-06-11. Review status: criteria provided, single submitter. Criteria: Invitae Variant Classification Sherloc (09022015). Collection method: clinical testing. Allele origin: germline.
Comment: This sequence change creates a premature translational stop signal (p.Gly74*) in the PLP1 gene. It is expected to result in an absent or disrupted protein product. Loss-of-function variants in PLP1 are known to be pathogenic (PMID: 18470932). This variant is not present in population databases (gnomAD no frequency). This variant has not been reported in the literature in individuals affected with PLP1-related conditions. ClinVar contains an entry for this variant (Variation ID: 3660851). For these reasons, this variant has been classified as Pathogenic.

Literature cited by the submitters: PubMed 18470932.